The following is an entry in ClinVar:

ClinVar aggregate classification (germline): Uncertain significance. Review status: criteria provided, multiple submitters, no conflicts (2 of 4 stars). 2 submissions from 2 submitters: Uncertain significance (2). Last evaluated 2025-03-05.

Conditions:
Nail-patella syndrome (NPS). Also called: FONG DISEASE; ONYCHOOSTEODYSPLASIA; TURNER-KIESER SYNDROME. Identifiers: Orphanet 2614, MedGen C0027341, MONDO:0008061, OMIM 161200.

Allele frequency attached by ClinVar (database versions not stated): TOPMed below 0.00001; gnomAD 0.00001; gnomAD exomes 0.00001.
gnomAD v4.1: 16 of 1,610,120 alleles (0.00099%); highest among the groups gnomAD compares: African/African-American, 0.0013%; no homozygotes.

Submissions (2):

Labcorp Genetics (formerly Invitae), Labcorp
Classification: Uncertain significance. Last evaluated: 2025-03-05. Review status: criteria provided, single submitter. Criteria: Invitae Variant Classification Sherloc (09022015). Collection method: clinical testing. Allele origin: germline.
Comment: This sequence change replaces glycine, which is neutral and non-polar, with arginine, which is basic and polar, at codon 213 of the LMX1B protein (p.Gly213Arg). This variant is not present in population databases (gnomAD no frequency). This variant has not been reported in the literature in individuals affected with LMX1B-related conditions. ClinVar contains an entry for this variant (Variation ID: 1038137). Invitae Evidence Modeling of protein sequence and biophysical properties (such as structural, functional, and spatial information, amino acid conservation, physicochemical variation, residue mobility, and thermodynamic stability) indicates that this missense variant is not expected to disrupt LMX1B protein function with a negative predictive value of 80%. In summary, the available evidence is currently insufficient to determine the role of this variant in disease. Therefore, it has been classified as a Variant of Uncertain Significance.

Neuberg Centre For Genomic Medicine, NCGM
Classification: Uncertain significance for Nail-patella syndrome. Review status: criteria provided, single submitter. Criteria: ACMG Guidelines, 2015. Collection method: clinical testing. Allele origin: germline. Affected: yes.
Comment: The missense variant p.G213R in LMX1B (NM_002316.4) has been submitted to the Leiden Open Variation Database where it has been classified as Likely Pathogenic. However no clinical details or evidence for classification has been provided to allow an independent assesment. It has not been published in any individuals affected with LMX1B associated disease. The G213R variant is novel (not in any individuals) in gnomAD Exomes. The p.G213R missense variant is predicted to be damaging by both SIFT and PolyPhen2. The glycine residue at codon 213 of LMX1B is conserved in all mammalian species. The nucleotide c.637 in LMX1B is predicted conserved by GERP++ and PhyloP across 100 vertebrates. For these reasons, this variant has been classified as Uncertain Significance.

NM_001174147.2(LMX1B):c.637G>A (p.Gly213Arg)

Gene: LMX1B (LIM homeobox transcription factor 1 beta; plus strand). Cytogenetic location: 9q33.3.
Variant type: single nucleotide variant.
Coding change: c.637G>A on transcript NM_001174147.2 (MANE Select); coding-DNA position 637, G replaced by A.
Protein change: p.Gly213Arg; replaces glycine 213 with arginine.
Molecular consequence: missense variant.
Genome position (GRCh38, 1-based): chr9:126,693,219, G>A. VCF-style: chr9-126693219-G-A. GRCh37 (hg19) VCF-style: chr9-129455498-G-A.
Other names: c.637G>A, p.Gly213Arg (NM_001174146.2, NM_002316.4); short protein forms G213R.
Identifiers: ClinVar variation 1038137 (VCV001038137.10), dbSNP rs1472509996, ClinGen allele CA374913330.
Genomic context (GRCh38, chr9:126,693,219, plus strand): 5'-GATGGGGACATGAAGCCGGCCAAGGGGCAGGGCAGTCAGAGCAAGGGCAGCGGGGATGAC[G>A]GGAAGGACCCGCGGAGGCCCAAGCGACCCCGGACCATCCTCACCACGCAGCAGCGAAGAG-3'
Protein context (NP_001167618.1, residues 203-223): GSQSKGSGDD[Gly213Arg]KDPRRPKRPR